The following is an entry in ClinVar:

NM_015100.4(POGZ):c.4183G>A (p.Glu1395Lys)

Gene: POGZ (pogo transposable element derived with ZNF domain; minus strand). Cytogenetic location: 1q21.3.
Variant type: single nucleotide variant.
Coding change: c.4183G>A on transcript NM_015100.4 (MANE Select); coding-DNA position 4183, G replaced by A.
Protein change: p.Glu1395Lys; replaces glutamic acid 1395 with lysine.
Molecular consequence: missense variant.
Genome position (GRCh38, 1-based): chr1:151,404,852, C>T on the plus strand (G>A on the coding strand, the complement: POGZ is on the minus strand). VCF-style: chr1-151404852-C-T. GRCh37 (hg19) VCF-style: chr1-151377328-C-T.
Other names: c.4156G>A, p.Glu1386Lys (NM_001194937.2); c.3997G>A, p.Glu1333Lys (NM_001194938.2); c.4204G>A, p.Glu1402Lys (NM_001410860.1); c.3898G>A, p.Glu1300Lys (NM_145796.4); c.4024G>A, p.Glu1342Lys (NM_207171.2); short protein forms E1300K, E1333K, E1342K, E1386K, E1395K, E1402K.
Identifiers: ClinVar variation 2444578 (VCV002444578.1), dbSNP rs2529190233, ClinGen allele CA341933203.

ClinVar aggregate classification (germline): Uncertain significance (1 of 4 stars; one submission).

Allele frequency attached by ClinVar (database versions not stated): gnomAD exomes below 0.00001.
gnomAD v4.1: 2 of 1,613,772 alleles (0.00012%); highest among the groups gnomAD compares: Non-Finnish European, 0.00017%; no homozygotes.

Submission:

GeneDx
Classification: Uncertain significance. Last evaluated: 2022-09-20. Review status: criteria provided, single submitter. Criteria: GeneDx Variant Classification Process June 2021. Collection method: clinical testing. Allele origin: germline. Affected: yes.
Comment: Not observed at significant frequency in large population cohorts (gnomAD); In silico analysis supports that this missense variant does not alter protein structure/function; Has not been previously published as pathogenic or benign to our knowledge